The following is an entry in ClinVar:

NM_002076.4(GNS):c.*2G>A

Gene: GNS (glucosamine (N-acetyl)-6-sulfatase; minus strand). Cytogenetic location: 12q14.3.
Variant type: single nucleotide variant.
Coding change: c.*2G>A on transcript NM_002076.4 (MANE Select); 2 bases downstream of the stop codon, G replaced by A.
Molecular consequence: 3 prime UTR variant.
Genome position (GRCh38, 1-based): chr12:64,716,739, C>T on the plus strand (G>A on the coding strand, the complement: GNS is on the minus strand). VCF-style: chr12-64716739-C-T. GRCh37 (hg19) VCF-style: chr12-65110519-C-T.
Identifiers: ClinVar variation 4683761 (VCV004683761.1).

ClinVar aggregate classification (germline): Likely benign (1 of 4 stars; one submission).

Submission:

Mayo Clinic Laboratories, Mayo Clinic
Classification: Likely benign. Last evaluated: 2025-06-04. Review status: criteria provided, single submitter. Criteria: ACMG Guidelines, 2015. Collection method: clinical testing. Allele origin: germline. Observed: 1 variant allele.
Comment: BP7